The following is an entry in ClinVar:

ClinVar aggregate classification (germline): Uncertain significance (1 of 4 stars; one submission).

Conditions:
FGFR2-related craniosynostosis. Identifiers: MedGen CN231480.

Submission:

Labcorp Genetics (formerly Invitae), Labcorp
Classification: Uncertain significance for FGFR2-related craniosynostosis. Last evaluated: 2023-11-24. Review status: criteria provided, single submitter. Criteria: Invitae Variant Classification Sherloc (09022015). Collection method: clinical testing. Allele origin: germline.
Comment: This sequence change replaces proline, which is neutral and non-polar, with serine, which is neutral and polar, at codon 800 of the FGFR2 protein (p.Pro800Ser). This variant is not present in population databases (gnomAD no frequency). This variant has not been reported in the literature in individuals affected with FGFR2-related conditions. Advanced modeling of protein sequence and biophysical properties (such as structural, functional, and spatial information, amino acid conservation, physicochemical variation, residue mobility, and thermodynamic stability) performed at Invitae indicates that this missense variant is not expected to disrupt FGFR2 protein function with a negative predictive value of 95%. In summary, the available evidence is currently insufficient to determine the role of this variant in disease. Therefore, it has been classified as a Variant of Uncertain Significance.

NM_000141.5(FGFR2):c.2398C>T (p.Pro800Ser)

Gene: FGFR2 (fibroblast growth factor receptor 2; minus strand). Cytogenetic location: 10q26.13.
Variant type: single nucleotide variant.
Coding change: c.2398C>T on transcript NM_000141.5 (MANE Select); coding-DNA position 2398, C replaced by T.
Protein change: p.Pro800Ser; replaces proline 800 with serine.
Molecular consequence: missense variant. On other transcripts: non-coding transcript variant (1), intron variant (1).
Genome position (GRCh38, 1-based): chr10:121,479,925, G>A on the plus strand (C>T on the coding strand, the complement: FGFR2 is on the minus strand). VCF-style: chr10-121479925-G-A. GRCh37 (hg19) VCF-style: chr10-123239439-G-A.
Other names: c.2062C>T, p.Pro688Ser (NM_001144914.1); c.2053C>T, p.Pro685Ser (NM_001144916.2); c.2050C>T, p.Pro684Ser (NM_001144917.2); c.2047C>T, p.Pro683Ser (NM_001144918.2); c.1714C>T, p.Pro572Ser (NM_001320654.2); c.2392C>T, p.Pro798Ser (NM_001320658.2); c.2401C>T, p.Pro801Ser (NM_022970.4); c.2131C>T, p.Pro711Ser (NM_023029.3); and 1 more; short protein forms P711S, P684S, P688S, P801S, P683S, P798S, P572S, P685S.
Identifiers: ClinVar variation 2698801 (VCV002698801.3), dbSNP rs1844454373, ClinGen allele CA378358577.